The following is an entry in ClinVar:

ClinVar aggregate classification (germline): Uncertain significance. Review status: criteria provided, multiple submitters, no conflicts (2 of 4 stars). 2 submissions from 2 submitters: Uncertain significance (2). Last evaluated 2024-10-29.

Conditions:
Inborn genetic diseases. Identifiers: MedGen C0950123, MeSH D030342.
CHARGE syndrome (CHARGE). Also called: Hittner Hirsch Kreh syndrome; CHARGE ASSOCIATION--COLOBOMA, HEART ANOMALY, CHOANAL ATRESIA, RETARDATION, GENITAL AND EAR ANOMALIES; Coloboma, heart anomaly, choanal atresia, retardation, genital and ear anomalies; CHARGE association; Hall-Hittner syndrome. Identifiers: Orphanet 138, MedGen C0265354, MONDO:0008965.

Allele frequency attached by ClinVar (database versions not stated): gnomAD exomes below 0.00001; ExAC 0.00001.
gnomAD v4.1: 2 of 1,613,568 alleles (0.00012%); highest among the groups gnomAD compares: Admixed American, 0.0033%; no homozygotes.

Submissions (2):

Ambry Genetics
Classification: Uncertain significance for Inborn genetic diseases. Last evaluated: 2024-10-29. Review status: criteria provided, single submitter. Criteria: Ambry Variant Classification Scheme 2023. Collection method: clinical testing. Allele origin: germline.

Labcorp Genetics (formerly Invitae), Labcorp
Classification: Uncertain significance for CHARGE syndrome. Last evaluated: 2023-11-19. Review status: criteria provided, single submitter. Criteria: Invitae Variant Classification Sherloc (09022015). Collection method: clinical testing. Allele origin: germline.
Comment: This sequence change replaces glutamic acid, which is acidic and polar, with glycine, which is neutral and non-polar, at codon 1789 of the CHD7 protein (p.Glu1789Gly). This variant is present in population databases (rs765474106, gnomAD 0.003%). This variant has not been reported in the literature in individuals affected with CHD7-related conditions. Advanced modeling of protein sequence and biophysical properties (such as structural, functional, and spatial information, amino acid conservation, physicochemical variation, residue mobility, and thermodynamic stability) has been performed at Invitae for this missense variant, however the output from this modeling did not meet the statistical confidence thresholds required to predict the impact of this variant on CHD7 protein function. In summary, the available evidence is currently insufficient to determine the role of this variant in disease. Therefore, it has been classified as a Variant of Uncertain Significance.

NM_017780.4(CHD7):c.5366A>G (p.Glu1789Gly)

Gene: CHD7 (chromodomain helicase DNA binding protein 7; plus strand). Cytogenetic location: 8q12.2.
Variant type: single nucleotide variant.
Coding change: c.5366A>G on transcript NM_017780.4 (MANE Select); coding-DNA position 5366, A replaced by G.
Protein change: p.Glu1789Gly; replaces glutamic acid 1789 with glycine.
Molecular consequence: missense variant. On other transcripts: intron variant (1).
Genome position (GRCh38, 1-based): chr8:60,849,116, A>G. VCF-style: chr8-60849116-A-G. GRCh37 (hg19) VCF-style: chr8-61761675-A-G.
Other names: c.5366A>G (NM_017780.3); c.1717-13113A>G (NM_001316690.1); short protein forms E1789G.
Identifiers: ClinVar variation 2919900 (VCV002919900.4), dbSNP rs765474106, ClinGen allele CA4760344.